The following is an entry in ClinVar:

ClinVar aggregate classification (germline): Likely pathogenic. Review status: reviewed by expert panel (3 of 4 stars). 4 submissions from 4 submitters: Likely pathogenic (1). 3 of the submissions do not count toward it. Last evaluated 2025-06-11.

Conditions:
RPE65-related recessive retinopathy. Also called: Recessive RPE65 retinopathy. Identifiers: MedGen CN305526, MONDO:0100368.
Leber congenital amaurosis 2 (LCA2). Also called: Autosomal Recessive RPE65-Related Retinal Degeneration; AMAUROSIS CONGENITA OF LEBER II. Identifiers: Orphanet 65, MedGen C1859844, MONDO:0008765, OMIM 204100. Disease mechanism: loss of function.

Submissions (4):

ClinGen Leber Congenital Amaurosis/early Onset Retinal Dystrophy Variant Curation Expert Panel, ClinGen
Classification: Likely pathogenic for RPE65-related recessive retinopathy. Last evaluated: 2025-06-11. Review status: reviewed by expert panel. Criteria: ClinGen LCAeoRD ACMG Specifications RPE65 V1.0.0. Collection method: curation. Allele origin: germline. Inheritance: Autosomal recessive inheritance.
Comment: NM_000329.3(RPE65):c.311G>T (p.Gly104Val) is a missense variant resulting in replacement of glycine by valine at amino acid p.104. Another missense variant in the same codon (NM_000329.3(RPE65):c.311G>A (p.Gly104Asp)) has been classified as likely pathogenic for RPE65-related recessive retinopathy by the ClinGen LCA / eoRD VCEP (PM5_Supporting, PMID: 19117922). Splicing prediction using SpliceAI found all scores below the threshold of <0.1 for both of these variants. This variant is absent from gnomAD v4.1.0 (PM2_Supporting). This variant has been reported in at least 2 probands with early-onset severe retinal dystrophy who were compound heterozygous with either the NM_000329.3(RPE65):c.370C>T (p.Arg124Ter) variant suspected in trans (0.5 points, PMID: 28945494) or the NM_000329.3(RPE65):c.95-2A>T variant confirmed in trans (1 point, PMID: 32347917, PMID: 34492281, PMID: 38219857), both of which were previously classified pathogenic by the ClinGen LCA / eoRD VCEP (1.5 total points, PM3). At least one proband harboring this variant exhibits a phenotype including diagnosis of Leber congenital amaurosis (0.5 pts) with onset of nystagmus (1 pt) before age 1 year (1 pt), central visual acuity limited to fixation and following by age 4 years (1 pt), normal fundus appearance, hypermetropia, and frequent sun gazing (1 pt), which together are specific for RPE65-related recessive retinopathy (total 4.5 points, PMID: 28945494, PP4). The computational predictor REVEL gives a score of 0.97, which is above the ClinGen LCA / eoRD VCEP threshold of ≥0.773 and predicts a damaging effect on RPE65 function (PP3_Moderate). The splicing impact predictor SpliceAI gives a score of 0.08 for acceptor loss, which is below the ClinGen LCA / eoRD VCEP recommended threshold of ≥0.2 and does not strongly predict an impact on splicing. In summary, this variant meets the criteria to be classified as likely pathogenic for RPE65-related recessive retinopathy based on the ACMG/AMP criteria applied, as specified by the ClinGen LCA/eoRD VCEP: PM2_Supporting, PM3, PM5_Supporting, PP3_Moderate, and PP4. (VCEP specifications version 1.0.0; date of approval 09/21/2023).

Myriad Genetics, Inc.
Classification: Likely pathogenic for RPE65-related recessive retinopathy. Last evaluated: 2025-11-04. Review status: criteria provided, single submitter. Criteria: Myriad Autosomal Dominant, Autosomal Recessive and X-Linked Classification Criteria (2023). Collection method: clinical testing. Allele origin: unknown. Not counted in ClinVar's aggregate classification.
Comment: NM_000329.2(RPE65):c.311G>T(G104V) is a missense variant classified as likely pathogenic in the context of inherited retinal dystrophy, RPE65-related. G104V has been observed in cases with relevant disease (PMID: 31580392, 34492281, 28945494). Relevant functional assessments of this variant are available in the literature (PMID: 31580392). G104V has not been observed in referenced population frequency databases. In summary, NM_000329.2(RPE65):c.311G>T(G104V) is a missense variant that has both functional and internal structural support for pathogenicity and has been observed more frequently in cases with the relevant disease than in healthy populations. Please note: this variant was assessed in the context of healthy population screening.

DBGen Ocular Genomics
Classification: Likely pathogenic for Leber congenital amaurosis 2. Last evaluated: 2021-06-22. Review status: criteria provided, single submitter. Criteria: ACMG Guidelines, 2015. Collection method: clinical testing. Allele origin: germline. Affected: yes. Observed: 1 variant allele. Not counted in ClinVar's aggregate classification.

Retina International
No classification provided. Review status: no classification provided. Collection method: not provided. Allele origin: not provided. Not counted in ClinVar's aggregate classification.

Literature cited by the submitters: PubMed 28945494 (cited by Myriad Genetics, Inc.); PubMed 31580392 (cited by Myriad Genetics, Inc.); PubMed 34492281 (cited by Myriad Genetics, Inc.).

NM_000329.3(RPE65):c.311G>T (p.Gly104Val)

Gene: RPE65 (retinoid isomerohydrolase RPE65; minus strand). Cytogenetic location: 1p31.3.
Variant type: single nucleotide variant.
Coding change: c.311G>T on transcript NM_000329.3 (MANE Select); coding-DNA position 311, G replaced by T.
Protein change: p.Gly104Val; replaces glycine 104 with valine.
Molecular consequence: missense variant.
Genome position (GRCh38, 1-based): chr1:68,444,818, C>A on the plus strand (G>T on the coding strand, the complement: RPE65 is on the minus strand). VCF-style: chr1-68444818-C-A. GRCh37 (hg19) VCF-style: chr1-68910501-C-A.
Other names: NM_000329.3(RPE65):c.311G>T; p.Gly104Val; short protein forms G104V.
Identifiers: ClinVar variation 98864 (VCV000098864.5), dbSNP rs61752875, ClinGen allele CA226542.